The following is an entry in ClinVar:

ClinVar aggregate classification (germline): Uncertain significance. Review status: criteria provided, multiple submitters, no conflicts (2 of 4 stars). 3 submissions from 3 submitters: Uncertain significance (2). 1 of the submissions does not count toward it. Last evaluated 2023-07-09.

Conditions:
Common variable immunodeficiency (CVID). Also called: Common variable hypogamma-globulinemia; Common variable agammaglobulinemia. Identifiers: Orphanet 1572, MedGen C0009447, MONDO:0015517.

Allele frequency attached by ClinVar (database versions not stated): gnomAD 0.00001 and 0.00003; TOPMed 0.00001; ExAC 0.00004; 1000 Genomes Project 30x 0.00016; 1000 Genomes Project 0.00020.

Submissions (3):

Labcorp Genetics (formerly Invitae), Labcorp
Classification: Uncertain significance for Common variable immunodeficiency. Last evaluated: 2023-07-09. Review status: criteria provided, single submitter. Criteria: Invitae Variant Classification Sherloc (09022015). Collection method: clinical testing. Allele origin: germline.
Comment: In summary, the available evidence is currently insufficient to determine the role of this variant in disease. Therefore, it has been classified as a Variant of Uncertain Significance. Experimental studies have shown that this missense change affects TNFSF12 function (PMID: 23493554). An algorithm developed to predict the effect of missense changes on protein structure and function (PolyPhen-2) suggests that this variant is likely to be disruptive. ClinVar contains an entry for this variant (Variation ID: 225690). This missense change has been observed in individual(s) with antibody deficiency (PMID: 23493554). The frequency data for this variant in the population databases is considered unreliable, as metrics indicate poor data quality at this position in the gnomAD database. This sequence change replaces arginine, which is basic and polar, with cysteine, which is neutral and slightly polar, at codon 145 of the TNFSF12 protein (p.Arg145Cys).

Blueprint Genetics
Classification: Uncertain significance. Last evaluated: 2020-12-30. Review status: criteria provided, single submitter. Criteria: ACMG Guidelines, 2015. Collection method: clinical testing. Allele origin: germline.

OMIM
Classification: Uncertain significance for VARIANT OF UNKNOWN SIGNIFICANCE. Last evaluated: 2018-08-28. Review status: no assertion criteria provided. Collection method: literature only. Allele origin: germline. Not counted in ClinVar's aggregate classification.

Literature cited by the submitters: PubMed 23493554 (cited by Labcorp Genetics (formerly Invitae), Labcorp and OMIM).

NM_003809.3(TNFSF12):c.433C>T (p.Arg145Cys)

Genes: TNFSF12 (TNF superfamily member 12; plus strand), TNFSF12-TNFSF13 (TNFSF12-TNFSF13 readthrough; plus strand). Cytogenetic location: 17p13.1.
Variant type: single nucleotide variant.
Coding change: c.433C>T on transcript NM_003809.3 (MANE Select); coding-DNA position 433, C replaced by T.
Protein change: p.Arg145Cys; replaces arginine 145 with cysteine.
Molecular consequence: missense variant. On other transcripts: non-coding transcript variant (1).
Genome position (GRCh38, 1-based): chr17:7,556,837, C>T. VCF-style: chr17-7556837-C-T. GRCh37 (hg19) VCF-style: chr17-7460154-C-T.
Other names: c.433C>T, p.Arg145Cys (NM_172089.4); short protein forms R145C.
Identifiers: ClinVar variation 225690 (VCV000225690.12), dbSNP rs540997935, ClinGen allele CA8350831.